The following is an entry in ClinVar:

ClinVar aggregate classification (germline): Uncertain significance (1 of 4 stars; one submission).

gnomAD v4.1: 6 of 1,614,258 alleles (0.00037%); highest among the groups gnomAD compares: Non-Finnish European, 0.00051%; no homozygotes.

Submission:

Women's Health and Genetics/Laboratory Corporation of America, LabCorp
Classification: Uncertain significance. Last evaluated: 2025-10-28. Review status: criteria provided, single submitter. Criteria: LabCorp Variant Classification Summary - May 2015. Collection method: clinical testing. Allele origin: germline.
Comment: Variant summary: VWF c.2134G>A (p.Asp712Asn) results in a conservative amino acid change in the encoded protein sequence. Algorithms developed to predict the effect of missense changes on protein structure and function are either unavailable or do not agree on the potential impact of this missense change. The variant was absent in 251480 control chromosomes. The available data on variant occurrences in the general population are insufficient to allow any conclusion about variant significance. To our knowledge, no occurrence of c.2134G>A in individuals affected with VWF-related conditions and no experimental evidence demonstrating its impact on protein function have been reported. No submitters have cited clinical-significance assessments for this variant to ClinVar. Based on the evidence outlined above, the variant was classified as uncertain significance.

NM_000552.5(VWF):c.2134G>A (p.Asp712Asn)

Gene: VWF (von Willebrand factor; minus strand). Cytogenetic location: 12p13.31.
Variant type: single nucleotide variant.
Coding change: c.2134G>A on transcript NM_000552.5 (MANE Select); coding-DNA position 2134, G replaced by A.
Protein change: p.Asp712Asn; replaces aspartic acid 712 with asparagine.
Molecular consequence: missense variant.
Genome position (GRCh38, 1-based): chr12:6,052,595, C>T on the plus strand (G>A on the coding strand, the complement: VWF is on the minus strand). VCF-style: chr12-6052595-C-T. GRCh37 (hg19) VCF-style: chr12-6161761-C-T.
Other names: short protein forms D712N.
Identifiers: ClinVar variation 4687679 (VCV004687679.1).